The following is an entry in ClinVar:

NM_001267550.2(TTN):c.77356G>A (p.Ala25786Thr)

Genes: TTN-AS1 (TTN antisense RNA 1; plus strand), TTN (titin; minus strand). Cytogenetic location: 2q31.2.
Variant type: single nucleotide variant.
Coding change: c.77356G>A on transcript NM_001267550.2 (MANE Select); coding-DNA position 77356, G replaced by A.
Protein change: p.Ala25786Thr; replaces alanine 25786 with threonine.
Molecular consequence: missense variant.
Genome position (GRCh38, 1-based): chr2:178,568,776, C>T on the plus strand (G>A on the coding strand, the complement: TTN is on the minus strand). VCF-style: chr2-178568776-C-T. GRCh37 (hg19) VCF-style: chr2-179433503-C-T.
Other names: p.A24145T:GCA>ACA; c.72433G>A, p.Ala24145Thr (NM_001256850.1); c.50161G>A, p.Ala16721Thr (NM_003319.4); c.69652G>A, p.Ala23218Thr (NM_133378.4); c.50536G>A, p.Ala16846Thr (NM_133432.3); c.50737G>A, p.Ala16913Thr (NM_133437.4); short protein forms A24145T, A25786T, A16721T, A16846T, A23218T, A16913T.
Identifiers: ClinVar variation 202878 (VCV000202878.1), dbSNP rs794729502, ClinGen allele CA310566.
Genomic context (GRCh38, chr2:178,568,776, plus strand): 5'-TACTGAATGCAGGTTTTACATCTGGCTCAATTACCAGATCTTTGGCAACTATTGGAACTG[C>T]AAGGGACCGAGGATCACTTCTCCCCTTTTCATTTACAGCAACAACTCTAAAAAGATATTC-3'
Protein context (NP_001254479.2, residues 25776-25796): EKGRSDPRSL[Ala25786Thr]VPIVAKDLVI

ClinVar aggregate classification (germline): Uncertain significance (1 of 4 stars; one submission).

Submission:

GeneDx
Classification: Uncertain significance. Review status: criteria provided, single submitter. Criteria: GeneDx Variant Classification (06012015). Collection method: clinical testing. Allele origin: germline. Affected: yes.
Comment: Missense variants in the TTN gene are considered 'unclassified' if they are not previously reported in the literature and do not have >1% frequency in the population to be considered a polymorphism. Research indicates that truncating mutations in the TTN gene are expected to account for approximately 25% of familial and 18% of sporadic idiopathic DCM; however, truncating variants in the TTN gene have been reported in approximately 3% of reported control alleles. There has been little investigation into non-truncating variants. (Herman D et al. Truncations of titin causing dilated cardiomyopathy. N Eng J Med 366:619-628, 2012) The variant is found in DCM panel(s).